The following is an entry in ClinVar:

NM_001805.4(CEBPE):c.356C>T (p.Ala119Val)

Gene: CEBPE (CCAAT enhancer binding protein epsilon; minus strand). Cytogenetic location: 14q11.2.
Variant type: single nucleotide variant.
Coding change: c.356C>T on transcript NM_001805.4 (MANE Select); coding-DNA position 356, C replaced by T.
Protein change: p.Ala119Val; replaces alanine 119 with valine.
Molecular consequence: missense variant.
Genome position (GRCh38, 1-based): chr14:23,118,736, G>A on the plus strand (C>T on the coding strand, the complement: CEBPE is on the minus strand). VCF-style: chr14-23118736-G-A. GRCh37 (hg19) VCF-style: chr14-23587945-G-A.
Other names: c.356C>T (NM_001805.2); short protein forms A119V.
Identifiers: ClinVar variation 1403466 (VCV001403466.33), dbSNP rs752134859, ClinGen allele CA7111231.

ClinVar aggregate classification (germline): Uncertain significance. Review status: criteria provided, multiple submitters, no conflicts (2 of 4 stars). 3 submissions from 3 submitters: Uncertain significance (3). Last evaluated 2023-01-01.

Conditions:
Inborn genetic diseases. Identifiers: MedGen C0950123, MeSH D030342.
Specific granule deficiency. Identifiers: Orphanet 169142, MedGen C0398593, MONDO:0009506.

Submissions (3):

CeGaT Center for Human Genetics Tuebingen
Classification: Uncertain significance. Last evaluated: 2023-01-01. Review status: criteria provided, single submitter. Criteria: CeGaT Center For Human Genetics Tuebingen Variant Classification Criteria Version 2. Collection method: clinical testing. Allele origin: germline. Affected: yes. Observed: 1 variant allele.
Comment: CEBPE: PM2

Ambry Genetics
Classification: Uncertain significance for Inborn genetic diseases. Last evaluated: 2022-08-08. Review status: criteria provided, single submitter. Criteria: Ambry Variant Classification Scheme 2023. Collection method: clinical testing. Allele origin: germline.

Labcorp Genetics (formerly Invitae), Labcorp
Classification: Uncertain significance for Specific granule deficiency. Last evaluated: 2022-05-08. Review status: criteria provided, single submitter. Criteria: Invitae Variant Classification Sherloc (09022015). Collection method: clinical testing. Allele origin: germline.
Comment: This sequence change replaces alanine, which is neutral and non-polar, with valine, which is neutral and non-polar, at codon 119 of the CEBPE protein (p.Ala119Val). This variant is present in population databases (rs752134859, gnomAD 0.05%). This variant has not been reported in the literature in individuals affected with CEBPE-related conditions. Algorithms developed to predict the effect of missense changes on protein structure and function (SIFT, PolyPhen-2, Align-GVGD) all suggest that this variant is likely to be tolerated. In summary, the available evidence is currently insufficient to determine the role of this variant in disease. Therefore, it has been classified as a Variant of Uncertain Significance.